The following is an entry in ClinVar:

NM_005026.5(PIK3CD):c.1478A>C (p.Glu493Ala)

Gene: PIK3CD (phosphatidylinositol-4,5-bisphosphate 3-kinase catalytic subunit delta; plus strand). Cytogenetic location: 1p36.22.
Variant type: single nucleotide variant.
Coding change: c.1478A>C on transcript NM_005026.5 (MANE Select); coding-DNA position 1478, A replaced by C.
Protein change: p.Glu493Ala; replaces glutamic acid 493 with alanine.
Molecular consequence: missense variant.
Genome position (GRCh38, 1-based): chr1:9,720,618, A>C. VCF-style: chr1-9720618-A-C. GRCh37 (hg19) VCF-style: chr1-9780676-A-C.
Other names: c.1478A>C, p.Glu493Ala (NM_001350234.2); c.1391A>C, p.Glu464Ala (NM_001350235.1); short protein forms E493A, E464A.
Identifiers: ClinVar variation 1038802 (VCV001038802.9), dbSNP rs966409603, ClinGen allele CA17779983.

ClinVar aggregate classification (germline): Uncertain significance. Review status: criteria provided, single submitter (1 of 4 stars). 2 submissions from 2 submitters: Uncertain significance (1). 1 of the submissions does not count toward it. Last evaluated 2022-08-16.

Conditions:
Immunodeficiency 14 (IMD14A). Also called: ACTIVATED PI3K-DELTA SYNDROME 1; IMMUNODEFICIENCY 14A WITH LYMPHOPROLIFERATION, AUTOSOMAL DOMINANT; Activated PI3K Delta Syndrome Type 1 (APDS1); p110-DELTA-ACTIVATING MUTATION CAUSING SENESCENT T CELLS, LYMPHADENOPATHY, AND IMMUNODEFICIENCY. Identifiers: Orphanet 397596, Orphanet 693661, MedGen C5907821, MONDO:0014222, OMIM 615513.
Activated PI3K-delta syndrome. Identifiers: Orphanet 397596, MedGen C3714976, MONDO:0018338.

Allele frequency attached by ClinVar (database versions not stated): TOPMed 0.00002.
gnomAD v4.1: 1 of 1,339,326 alleles (0.000075%); highest among the groups gnomAD compares: African/African-American, 0.0017%; no homozygotes.

Submissions (2):

Labcorp Genetics (formerly Invitae), Labcorp
Classification: Uncertain significance for Activated PI3K-delta syndrome. Last evaluated: 2022-08-16. Review status: criteria provided, single submitter. Criteria: Invitae Variant Classification Sherloc (09022015). Collection method: clinical testing. Allele origin: germline.
Comment: ClinVar contains an entry for this variant (Variation ID: 1038802). In summary, the available evidence is currently insufficient to determine the role of this variant in disease. Therefore, it has been classified as a Variant of Uncertain Significance. Algorithms developed to predict the effect of missense changes on protein structure and function are either unavailable or do not agree on the potential impact of this missense change (SIFT: "Tolerated"; PolyPhen-2: "Possibly Damaging"; Align-GVGD: "Class C0"). This variant has not been reported in the literature in individuals affected with PIK3CD-related conditions. This variant is not present in population databases (gnomAD no frequency). This sequence change replaces glutamic acid, which is acidic and polar, with alanine, which is neutral and non-polar, at codon 493 of the PIK3CD protein (p.Glu493Ala).

Immunology Clinic, Ucla
Classification: Likely benign for Activated PI3K-delta syndrome. Review status: no assertion criteria provided. Collection method: research. Allele origin: germline, not applicable. Affected: yes. Functional consequence: gain_of_function_variant. Not counted in ClinVar's aggregate classification.
Comment: The PIK3CD c.1478A>C (p.Glu493Ala) variant results in a missense substitution of glutamic acid to alanine at codon 493. This residue is moderately conserved, but the substitution occurs outside of critical functional domains essential for PIK3CD protein activity. Functional evidence supports a Likely Benign classification. Immune profiling demonstrated T follicular helper (TFH) cells at 13.6%, which falls within control ranges, indicating no immune dysregulation typically associated with pathogenic PIK3CD variants. Additionally, there was no evidence of aberrant mTOR pathway activation, suggesting normal PI3K signaling. Computational predictive tools further support a benign interpretation: CADD score of 23.9 suggests moderate impact, but REVEL (0.197), SpliceAI (0.00), and Pangolin (-0.0100) predictions indicate a minimal effect on splicing and protein function. The overall experimental and computational evidence supports a likely Benign classification for this specific variant.

Literature cited by the submitters: PubMed 31031754 (cited by Immunology Clinic, Ucla).